The following is an entry in ClinVar:

ClinVar aggregate classification (germline): Benign/Likely benign. Review status: criteria provided, multiple submitters, no conflicts (2 of 4 stars). 6 submissions from 6 submitters: Benign (1); Likely benign (5). Last evaluated 2025-09-30.

Conditions:
Hereditary cancer-predisposing syndrome. Also called: Neoplastic Syndromes, Hereditary; Hereditary Cancer Syndrome; Tumor predisposition; Hereditary neoplastic syndrome. Identifiers: Orphanet 140162, MedGen C0027672, MeSH D009386, MONDO:0015356.
Familial cancer of breast. Also called: BREAST CANCER, FAMILIAL; Hereditary breast cancer; hereditary breast carcinoma. Identifiers: Orphanet 227535, MedGen C0346153, MONDO:0016419, OMIM 114480. Disease mechanism: loss of function.

Allele frequency attached by ClinVar (database versions not stated): gnomAD exomes below 0.00001 and 0.00001; TOPMed below 0.00001.
gnomAD v4.1: 10 of 1,614,220 alleles (0.00062%); highest among the groups gnomAD compares: Non-Finnish European, 0.00068%; no homozygotes.

Submissions (6):

Labcorp Genetics (formerly Invitae), Labcorp
Classification: Likely benign for Familial cancer of breast. Last evaluated: 2025-09-30. Review status: criteria provided, single submitter. Criteria: Invitae Variant Classification Sherloc (09022015). Collection method: clinical testing. Allele origin: germline.

Myriad Genetics, Inc.
Classification: Benign for Familial cancer of breast. Last evaluated: 2025-01-17. Review status: criteria provided, single submitter. Criteria: Myriad Autosomal Dominant, Autosomal Recessive and X-Linked Classification Criteria (2023). Collection method: clinical testing. Allele origin: unknown.
Comment: This variant is considered benign. This variant is a silent/synonymous amino acid change and it is not expected to impact splicing.

Quest Diagnostics Nichols Institute San Juan Capistrano
Classification: Likely benign. Last evaluated: 2022-09-15. Review status: criteria provided, single submitter. Criteria: Quest Diagnostics criteria. Collection method: clinical testing. Allele origin: unknown.

Ambry Genetics
Classification: Likely benign for Hereditary cancer-predisposing syndrome. Last evaluated: 2019-06-15. Review status: criteria provided, single submitter. Criteria: Ambry Variant Classification Scheme 2023. Collection method: clinical testing. Allele origin: germline.

GeneDx
Classification: Likely benign. Last evaluated: 2019-05-28. Review status: criteria provided, single submitter. Criteria: GeneDx Variant Classification Process June 2021. Collection method: clinical testing. Allele origin: germline. Affected: yes.

Color Diagnostics, LLC DBA Color Health
Classification: Likely benign for Hereditary cancer-predisposing syndrome. Last evaluated: 2018-05-21. Review status: criteria provided, single submitter. Criteria: ACMG Guidelines, 2015. Collection method: clinical testing. Allele origin: germline.

NM_024675.4(PALB2):c.2655A>G (p.Pro885=)

Gene: PALB2 (partner and localizer of BRCA2; minus strand). Cytogenetic location: 16p12.2.
Variant type: single nucleotide variant.
Coding change: c.2655A>G on transcript NM_024675.4 (MANE Select); coding-DNA position 2655, A replaced by G.
Protein change: p.Pro885=; no amino-acid change (proline 885 retained).
Molecular consequence: synonymous variant.
Genome position (GRCh38, 1-based): chr16:23,626,329, T>C on the plus strand (A>G on the coding strand, the complement: PALB2 is on the minus strand). VCF-style: chr16-23626329-T-C. GRCh37 (hg19) VCF-style: chr16-23637650-T-C.
Identifiers: ClinVar variation 391506 (VCV000391506.19), dbSNP rs1057524113, ClinGen allele CA16607202.